The following is an entry in ClinVar:

NM_007078.3(LDB3):c.690-228del

Gene: LDB3 (LIM domain binding 3; plus strand). Cytogenetic location: 10q23.2.
Variant type: Deletion.
Coding change: c.690-228del on transcript NM_007078.3 (MANE Select); 228 bases into the intron before coding-DNA position 690, one base deleted (C; older notation c.690-228delC).
Molecular consequence: intron variant.
Genome position (GRCh38, 1-based): chr10:86,691,668, C deleted. VCF-style (leftmost placement, unchanged base first): chr10-86691667-TC-T. GRCh37 (hg19) VCF-style: chr10-88451424-TC-T.
Other names: c.690-228del (NM_001368064.1, NM_001368063.1, NM_001368065.1 and 1 more transcripts); c.549-228del (NM_001368068.1, NM_001368066.1, NM_001080114.2 and 2 more transcripts); c.894-228del (NM_001171610.2, NM_001171611.2).
Identifiers: ClinVar variation 683088 (VCV000683088.1), dbSNP rs11312118, ClinGen allele CA211184614.

ClinVar aggregate classification (germline): Benign (1 of 4 stars; one submission).

Allele frequency attached by ClinVar (database versions not stated): gnomAD 0.13347 and 0.13812; 1000 Genomes Project 0.13998; TOPMed 0.14111; 1000 Genomes Project 30x 0.14272.

Submission:

GeneDx
Classification: Benign. Last evaluated: 2018-06-19. Review status: criteria provided, single submitter. Criteria: GeneDx Variant Classification (06012015). Collection method: clinical testing. Allele origin: germline. Affected: yes.
Comment: This variant is considered likely benign or benign based on one or more of the following criteria: it is a conservative change, it occurs at a poorly conserved position in the protein, it is predicted to be benign by multiple in silico algorithms, and/or has population frequency not consistent with disease.